The following is an entry in ClinVar:

NM_198407.2(GHSR):c.704T>C (p.Ile235Thr)

Gene: GHSR (growth hormone secretagogue receptor; minus strand). Cytogenetic location: 3q26.31.
Variant type: single nucleotide variant.
Coding change: c.704T>C on transcript NM_198407.2 (MANE Select); coding-DNA position 704, T replaced by C.
Protein change: p.Ile235Thr; replaces isoleucine 235 with threonine.
Molecular consequence: missense variant.
Genome position (GRCh38, 1-based): chr3:172,447,710, A>G on the plus strand (T>C on the coding strand, the complement: GHSR is on the minus strand). VCF-style: chr3-172447710-A-G. GRCh37 (hg19) VCF-style: chr3-172165500-A-G.
Other names: c.704T>C, p.Ile235Thr (NM_004122.2); short protein forms I235T.
Identifiers: ClinVar variation 2505992 (VCV002505992.1), dbSNP rs2473557057, ClinGen allele CA355513807.
Genomic context (GRCh38, chr3:172,447,710, plus strand): 5'-TCCCTGAGCGAGGCACCCACGACAGCATCGCCGCGCCTCCTCCGCCACAGCTTCCTGCCG[A>G]TGAGACTGTAGAGGACCGTGAGACAGAAGACAGGAAGGAAGAAGAAGATGCTGGACACCC-3'
Protein context (NP_940799.1, residues 225-245): VFCLTVLYSL[Ile235Thr]GRKLWRRRRG

ClinVar aggregate classification (germline): Uncertain significance (1 of 4 stars; one submission).

Submission:

GeneDx
Classification: Uncertain significance. Last evaluated: 2022-12-14. Review status: criteria provided, single submitter. Criteria: GeneDx Variant Classification Process June 2021. Collection method: clinical testing. Allele origin: germline. Affected: yes.
Comment: Not observed at significant frequency in large population cohorts (gnomAD); In silico analysis supports that this missense variant has a deleterious effect on protein structure/function; Has not been previously published as pathogenic or benign to our knowledge